The following is an entry in ClinVar:

ClinVar aggregate classification (germline): Uncertain significance (1 of 4 stars; one submission).

Conditions:
Inborn genetic diseases. Identifiers: MedGen C0950123, MeSH D030342.

gnomAD v4.1: 6 of 1,612,422 alleles (0.00037%); highest among the groups gnomAD compares: East Asian, 0.0022%; no homozygotes.

Submission:

Ambry Genetics
Classification: Uncertain significance for Inborn genetic diseases. Last evaluated: 2025-09-24. Review status: criteria provided, single submitter. Criteria: Ambry Variant Classification Scheme 2023. Collection method: clinical testing. Allele origin: germline.
Comment: The c.37A>G (p.S13G) alteration is located in exon 2 (coding exon 2) of the NUP188 gene. This alteration results from a A to G substitution at nucleotide position 37, causing the serine (S) at amino acid position 13 to be replaced by a glycine (G). Based on data from gnomAD, the G allele has an overall frequency of <0.001% (1/250890) total alleles studied. The highest observed frequency was 0.001% (1/113542) of European (non-Finnish) alleles. Based on insufficient or conflicting evidence, the clinical significance of this alteration remains unclear.

NM_015354.3(NUP188):c.37A>G (p.Ser13Gly)

Gene: NUP188 (nucleoporin 188; plus strand). Cytogenetic location: 9q34.11.
Variant type: single nucleotide variant.
Coding change: c.37A>G on transcript NM_015354.3 (MANE Select); coding-DNA position 37, A replaced by G.
Protein change: p.Ser13Gly; replaces serine 13 with glycine.
Molecular consequence: missense variant.
Genome position (GRCh38, 1-based): chr9:128,949,193, A>G. VCF-style: chr9-128949193-A-G. GRCh37 (hg19) VCF-style: chr9-131711472-A-G.
Other names: short protein forms S13G.
Identifiers: ClinVar variation 4626589 (VCV004626589.1).